The following is an entry in ClinVar:

ClinVar aggregate classification (germline): Uncertain significance. Review status: criteria provided, multiple submitters, no conflicts (2 of 4 stars). 2 submissions from 2 submitters: Uncertain significance (2). Last evaluated 2024-09-20.

Conditions:
RASopathy. Also called: rasopathies; Noonan spectrum disorder. Identifiers: Orphanet 536391, MedGen C5555857, MONDO:0021060.

Submissions (2):

GeneDx
Classification: Uncertain significance. Last evaluated: 2024-09-20. Review status: criteria provided, single submitter. Criteria: GeneDx Variant Classification Process June 2021. Collection method: clinical testing. Allele origin: germline. Affected: yes.
Comment: Not observed at significant frequency in large population cohorts (gnomAD); In silico analysis indicates that this missense variant does not alter protein structure/function; Has not been previously published as pathogenic or benign to our knowledge

Labcorp Genetics (formerly Invitae), Labcorp
Classification: Uncertain significance for RASopathy. Last evaluated: 2024-03-20. Review status: criteria provided, single submitter. Criteria: Invitae Variant Classification Sherloc (09022015). Collection method: clinical testing. Allele origin: germline.
Comment: This sequence change replaces serine, which is neutral and polar, with threonine, which is neutral and polar, at codon 108 of the SHOC2 protein (p.Ser108Thr). This variant is not present in population databases (gnomAD no frequency). This variant has not been reported in the literature in individuals affected with SHOC2-related conditions. Advanced modeling of protein sequence and biophysical properties (such as structural, functional, and spatial information, amino acid conservation, physicochemical variation, residue mobility, and thermodynamic stability) performed at Invitae indicates that this missense variant is not expected to disrupt SHOC2 protein function with a negative predictive value of 80%. In summary, the available evidence is currently insufficient to determine the role of this variant in disease. Therefore, it has been classified as a Variant of Uncertain Significance.

NM_007373.4(SHOC2):c.322T>A (p.Ser108Thr)

Gene: SHOC2 (SHOC2 leucine rich repeat scaffold protein; plus strand). Cytogenetic location: 10q25.2.
Variant type: single nucleotide variant.
Coding change: c.322T>A on transcript NM_007373.4 (MANE Select); coding-DNA position 322, T replaced by A.
Protein change: p.Ser108Thr; replaces serine 108 with threonine.
Molecular consequence: missense variant.
Genome position (GRCh38, 1-based): chr10:110,964,680, T>A. VCF-style: chr10-110964680-T-A. GRCh37 (hg19) VCF-style: chr10-112724438-T-A.
Other names: c.322T>A, p.Ser108Thr (NM_001269039.3, NM_001324336.2, NM_001324337.2); short protein forms S108T.
Identifiers: ClinVar variation 3672075 (VCV003672075.3).